The following is an entry in ClinVar:

NM_005732.4(RAD50):c.3524C>T (p.Ala1175Val)

Genes: TH2LCRR (T helper type 2 locus control region associated RNA; minus strand), RAD50 (RAD50 double strand break repair protein; plus strand), TH2-LCR (Th2 cytokine locus control region; plus strand). Cytogenetic location: 5q31.1.
Variant type: single nucleotide variant.
Coding change: c.3524C>T on transcript NM_005732.4 (MANE Select); coding-DNA position 3524, C replaced by T.
Protein change: p.Ala1175Val; replaces alanine 1175 with valine.
Molecular consequence: missense variant. On other transcripts: non-coding transcript variant (2).
Genome position (GRCh38, 1-based): chr5:132,638,129, C>T. VCF-style: chr5-132638129-C-T. GRCh37 (hg19) VCF-style: chr5-131973821-C-T.
Other names: short protein forms A1175V.
Identifiers: ClinVar variation 1732293 (VCV001732293.2), dbSNP rs2479427667, ClinGen allele CA360931808.

ClinVar aggregate classification (germline): Uncertain significance (1 of 4 stars; one submission).

Conditions:
Hereditary cancer-predisposing syndrome. Also called: Neoplastic Syndromes, Hereditary; Tumor predisposition; Hereditary Cancer Syndrome; Hereditary neoplastic syndrome. Identifiers: Orphanet 140162, MedGen C0027672, MeSH D009386, MONDO:0015356.

Allele frequency attached by ClinVar (database versions not stated): gnomAD exomes below 0.00001.
gnomAD v4.1: 1 of 1,613,892 alleles (0.000062%); highest among the groups gnomAD compares: Non-Finnish European, 0.000085%; no homozygotes.

Submission:

Ambry Genetics
Classification: Uncertain significance for Hereditary cancer-predisposing syndrome. Last evaluated: 2022-10-12. Review status: criteria provided, single submitter. Criteria: Ambry Variant Classification Scheme 2023. Collection method: clinical testing. Allele origin: germline.
Comment: The p.A1175V variant (also known as c.3524C>T), located in coding exon 23 of the RAD50 gene, results from a C to T substitution at nucleotide position 3524. The alanine at codon 1175 is replaced by valine, an amino acid with similar properties. This amino acid position is conserved. In addition, the in silico prediction for this alteration is inconclusive. Since supporting evidence is limited at this time, the clinical significance of this alteration remains unclear.